The following is an entry in ClinVar:

NM_000458.4(HNF1B):c.534del (p.Ile179fs)

Gene: HNF1B (HNF1 homeobox B; minus strand). Cytogenetic location: 17q12.
Variant type: Deletion.
Coding change: c.534del on transcript NM_000458.4 (MANE Select); coding-DNA position 534, one base deleted (G; older notation c.534delG).
Protein change: p.Ile179fs; shifts the reading frame from isoleucine 179.
Molecular consequence: frameshift variant.
Genome position (GRCh38, 1-based): chr17:37,739,450, C deleted on the plus strand (G on the coding strand, the reverse complement: HNF1B is on the minus strand). VCF-style (leftmost placement, unchanged base first): chr17-37739449-TC-T. GRCh37 (hg19) VCF-style: chr17-36099440-TC-T.
Other names: c.534del, p.Ile179fs (NM_001165923.4, NM_001304286.2); short protein forms I179fs.
Identifiers: ClinVar variation 635674 (VCV000635674.1), dbSNP rs2511828073, ClinGen allele CA913190788.

ClinVar aggregate classification (germline): Pathogenic (1 of 4 stars; one submission).

Conditions:
Renal cysts and diabetes syndrome (RCAD). Also called: Familial hypoplastic, glomerulocystic kidney; MATURITY-ONSET DIABETES OF THE YOUNG, TYPE 5. Identifiers: Orphanet 93111, MedGen C0431693, MONDO:0007669, OMIM 137920.

Submission:

Institute of Human Genetics, FAU Erlangen, Friedrich-Alexander-Universität Erlangen-Nürnberg
Classification: Pathogenic for Renal cysts and diabetes syndrome. Last evaluated: 2019-07-06. Review status: criteria provided, single submitter. Criteria: ACMG Guidelines, 2015. Collection method: literature only. Allele origin: germline. Affected: yes.
Comment: This variant and it's classification has been reported by Vasileiou et al. 2019; DOI:10.1101/576918. The variants has previously been reported in PMID:25700310; PMID:16371430; PMID:25536396 as "c.534delG; c.534delG" with clinical significance Pathogenic. It has been re-classified using InterVar and manual curation as Pathogenic based on PVS1 PM2 PP3.

Literature cited by the submitters: PubMed 25700310; PubMed 16371430; PubMed 25536396; DOI 10.1101/576918.